The following is an entry in ClinVar:

NM_015205.3(ATP11A):c.2908C>T (p.Leu970Phe)

Gene: ATP11A (ATPase phospholipid transporting 11A; plus strand). Cytogenetic location: 13q34.
Variant type: single nucleotide variant.
Coding change: c.2908C>T on transcript NM_015205.3 (MANE Select); coding-DNA position 2908, C replaced by T.
Protein change: p.Leu970Phe; replaces leucine 970 with phenylalanine.
Molecular consequence: missense variant.
Genome position (GRCh38, 1-based): chr13:112,862,492, C>T. VCF-style: chr13-112862492-C-T. GRCh37 (hg19) VCF-style: chr13-113516806-C-T.
Other names: c.2908C>T (NM_032189.3); c.2908C>T, p.Leu970Phe (NM_001405661.1, NM_001405662.1, NM_001405663.1 and 1 more transcripts); short protein forms L970F.
Identifiers: ClinVar variation 4872889 (VCV004872889.3).

ClinVar aggregate classification (germline): Uncertain significance. Review status: criteria provided, multiple submitters, no conflicts (2 of 4 stars). 2 submissions from 2 submitters: Uncertain significance (2). Last evaluated 2026-04-17.

Conditions:
ATP11A-related disorder. Also called: ATP11A-related condition.

gnomAD v4.1: 34 of 1,614,064 alleles (0.0021%); highest among the groups gnomAD compares: East Asian, 0.0067%; no homozygotes.

Submissions (2):

PreventionGenetics, part of Exact Sciences
Classification: Uncertain significance for ATP11A-related condition. Last evaluated: 2026-04-17. Review status: criteria provided, single submitter. Criteria: ACMG Guidelines, 2015. Collection method: clinical testing. Allele origin: germline.
Comment: The ATP11A c.2908C>T variant is predicted to result in the amino acid substitution p.Leu970Phe. To our knowledge, this variant has not been reported in the literature. This variant is reported in 0.010% of alleles in individuals of East Asian descent in gnomAD. Although we suspect that this variant may be benign, at this time, the clinical significance of this variant is uncertain due to the absence of conclusive functional and genetic evidence.

CeGaT Center for Human Genetics Tuebingen
Classification: Uncertain significance. Last evaluated: 2026-04-01. Review status: criteria provided, single submitter. Criteria: CeGaT Center For Human Genetics Tuebingen Variant Classification Criteria Version 2. Collection method: clinical testing. Allele origin: germline. Affected: yes. Observed: 1 variant allele.
Comment: ATP11A: PM2:Supporting, BP4